The following is an entry in ClinVar:

NM_001369268.1(ACAN):c.1428G>T (p.Gly476=)

Gene: ACAN (aggrecan; plus strand). Cytogenetic location: 15q26.1.
Variant type: single nucleotide variant.
Coding change: c.1428G>T on transcript NM_001369268.1 (MANE Select); coding-DNA position 1428, G replaced by T.
Protein change: p.Gly476=; no amino-acid change (glycine 476 retained).
Molecular consequence: synonymous variant.
Genome position (GRCh38, 1-based): chr15:88,845,881, G>T. VCF-style: chr15-88845881-G-T. GRCh37 (hg19) VCF-style: chr15-89389112-G-T.
Other names: c.1428G>T, p.Gly476= (NM_001135.4, NM_001411096.1, NM_001411097.1 and 1 more transcripts).
Identifiers: ClinVar variation 4762267 (VCV004762267.1).

ClinVar aggregate classification (germline): Uncertain significance (1 of 4 stars; one submission).

gnomAD v4.1: 1 of 1,451,038 alleles (0.000069%); highest among the groups gnomAD compares: Non-Finnish European, 0.000091%; no homozygotes.

Submission:

Labcorp Genetics (formerly Invitae), Labcorp
Classification: Uncertain significance. Last evaluated: 2025-05-30. Review status: criteria provided, single submitter. Criteria: Invitae Variant Classification Sherloc (09022015). Collection method: clinical testing. Allele origin: germline.
Comment: This sequence change affects codon 476 of the ACAN mRNA. It is a 'silent' change, meaning that it does not change the encoded amino acid sequence of the ACAN protein. It affects a nucleotide within the consensus splice site. This variant is not present in population databases (gnomAD no frequency). This variant has not been reported in the literature in individuals affected with ACAN-related conditions. Algorithms developed to predict the effect of sequence changes on RNA splicing suggest that this variant is not likely to affect RNA splicing. In summary, the available evidence is currently insufficient to determine the role of this variant in disease. Therefore, it has been classified as a Variant of Uncertain Significance.